The following is an entry in ClinVar:

ClinVar aggregate classification (germline): Uncertain significance (1 of 4 stars; one submission).

Conditions:
Rhabdoid tumor predisposition syndrome 2 (RTPS2). Identifiers: Orphanet 231108, Orphanet 69077, MedGen C2750074, MONDO:0013224, OMIM 613325.

Submission:

Labcorp Genetics (formerly Invitae), Labcorp
Classification: Uncertain significance for Rhabdoid tumor predisposition syndrome 2. Last evaluated: 2024-03-14. Review status: criteria provided, single submitter. Criteria: Invitae Variant Classification Sherloc (09022015). Collection method: clinical testing. Allele origin: germline.
Comment: This sequence change replaces serine, which is neutral and polar, with asparagine, which is neutral and polar, at codon 137 of the SMARCA4 protein (p.Ser137Asn). This variant is not present in population databases (gnomAD no frequency). This variant has not been reported in the literature in individuals affected with SMARCA4-related conditions. Advanced modeling of protein sequence and biophysical properties (such as structural, functional, and spatial information, amino acid conservation, physicochemical variation, residue mobility, and thermodynamic stability) performed at Invitae indicates that this missense variant is not expected to disrupt SMARCA4 protein function with a negative predictive value of 95%. In summary, the available evidence is currently insufficient to determine the role of this variant in disease. Therefore, it has been classified as a Variant of Uncertain Significance.

NM_003072.5(SMARCA4):c.410G>A (p.Ser137Asn)

Gene: SMARCA4 (SWI/SNF related BAF chromatin remodeling complex subunit ATPase 4; plus strand). Cytogenetic location: 19p13.2.
Variant type: single nucleotide variant.
Coding change: c.410G>A on transcript NM_003072.5 (MANE Select); coding-DNA position 410, G replaced by A.
Protein change: p.Ser137Asn; replaces serine 137 with asparagine.
Molecular consequence: missense variant. On other transcripts: non-coding transcript variant (1).
Genome position (GRCh38, 1-based): chr19:10,986,243, G>A. VCF-style: chr19-10986243-G-A. GRCh37 (hg19) VCF-style: chr19-11096919-G-A.
Other names: c.410G>A, p.Ser137Asn (NM_001128844.3, NM_001128845.2, NM_001128846.2 and 6 more transcripts); short protein forms S137N.
Identifiers: ClinVar variation 3636826 (VCV003636826.2).